The following is an entry in ClinVar:

ClinVar aggregate classification (germline): Likely benign. Review status: criteria provided, multiple submitters, no conflicts (2 of 4 stars). 3 submissions from 3 submitters: Likely benign (3). Last evaluated 2024-11-09.

Conditions:
Hereditary cancer-predisposing syndrome. Also called: Hereditary Cancer Syndrome; Neoplastic Syndromes, Hereditary; Tumor predisposition; Hereditary neoplastic syndrome. Identifiers: Orphanet 140162, MedGen C0027672, MeSH D009386, MONDO:0015356.
Familial cancer of breast. Also called: BREAST CANCER, FAMILIAL; Hereditary breast cancer; hereditary breast carcinoma. Identifiers: Orphanet 227535, MedGen C0346153, MONDO:0016419, OMIM 114480. Disease mechanism: loss of function.
Ataxia-telangiectasia syndrome (AT). Also called: Ataxia-telangiectasia, complementation group D; AT, COMPLEMENTATION GROUP C; ATAXIA-TELANGIECTASIA, COMPLEMENTATION GROUP A; ATAXIA-TELANGIECTASIA, FRESNO VARIANT; Ataxia-telangiectasia; LOUIS-BAR SYNDROME. Identifiers: Orphanet 100, MedGen C0004135, MONDO:0008840, OMIM 208900.

Submissions (3):

Labcorp Genetics (formerly Invitae), Labcorp
Classification: Likely benign for Ataxia-telangiectasia syndrome. Last evaluated: 2024-11-09. Review status: criteria provided, single submitter. Criteria: Invitae Variant Classification Sherloc (09022015). Collection method: clinical testing. Allele origin: germline.

Myriad Genetics, Inc.
Classification: Likely benign for Familial cancer of breast. Last evaluated: 2024-05-01. Review status: criteria provided, single submitter. Criteria: Myriad Autosomal Dominant, Autosomal Recessive and X-Linked Classification Criteria (2023). Collection method: clinical testing. Allele origin: unknown.
Comment: This variant is considered likely benign. This variant is intronic and is not expected to impact mRNA splicing.

Ambry Genetics
Classification: Likely benign for Hereditary cancer-predisposing syndrome. Last evaluated: 2019-10-31. Review status: criteria provided, single submitter. Criteria: Ambry Variant Classification Scheme 2023. Collection method: clinical testing. Allele origin: germline.

NM_000051.4(ATM):c.1803-5T>C

Gene: ATM (ATM serine/threonine kinase; plus strand). Cytogenetic location: 11q22.3.
Variant type: single nucleotide variant.
Coding change: c.1803-5T>C on transcript NM_000051.4 (MANE Select); 5 bases into the intron before coding-DNA position 1803, T replaced by C.
Molecular consequence: intron variant.
Genome position (GRCh38, 1-based): chr11:108,252,812, T>C. VCF-style: chr11-108252812-T-C. GRCh37 (hg19) VCF-style: chr11-108123539-T-C.
Other names: c.1803-5T>C (NM_001351834.2).
Identifiers: ClinVar variation 186552 (VCV000186552.15), dbSNP rs786203034, ClinGen allele CA195152.